The following is an entry in ClinVar:

NM_001684.5(ATP2B4):c.2392G>A (p.Val798Ile)

Gene: ATP2B4 (ATPase plasma membrane Ca2+ transporting 4; plus strand). Cytogenetic location: 1q32.1.
Variant type: single nucleotide variant.
Coding change: c.2392G>A on transcript NM_001684.5 (MANE Select); coding-DNA position 2392, G replaced by A.
Protein change: p.Val798Ile; replaces valine 798 with isoleucine.
Molecular consequence: missense variant.
Genome position (GRCh38, 1-based): chr1:203,714,263, G>A. VCF-style: chr1-203714263-G-A. GRCh37 (hg19) VCF-style: chr1-203683391-G-A.
Other names: c.2392G>A, p.Val798Ile (NM_001001396.3, NM_001365783.2, NM_001365784.2); short protein forms V798I.
Identifiers: ClinVar variation 1939014 (VCV001939014.5), dbSNP rs780923088, ClinGen allele CA1341861.
Genomic context (GRCh38, chr1:203,714,263, plus strand): 5'-CAGGTCGTGGCTGTCACTGGTGATGGCACAAATGACGGGCCTGCTCTGAAGAAAGCGGAT[G>A]TTGGTTTTGCCATGGTAAGCTCAGCACAGTGTCTCTCTGATTGCAAGCTGCCTTCTCCAT-3'
Protein context (NP_001675.3, residues 788-808): NDGPALKKAD[Val798Ile]GFAMGIAGTD

ClinVar aggregate classification (germline): Uncertain significance (1 of 4 stars; one submission).

Allele frequency attached by ClinVar (database versions not stated): gnomAD exomes below 0.00001; TOPMed below 0.00001; gnomAD 0.00001; ExAC 0.00002.
gnomAD v4.1: 3 of 1,614,040 alleles (0.00019%); highest among the groups gnomAD compares: Non-Finnish European, 0.00025%; no homozygotes.

Submission:

Labcorp Genetics (formerly Invitae), Labcorp
Classification: Uncertain significance. Last evaluated: 2022-06-10. Review status: criteria provided, single submitter. Criteria: Invitae Variant Classification Sherloc (09022015). Collection method: clinical testing. Allele origin: germline.
Comment: In summary, the available evidence is currently insufficient to determine the role of this variant in disease. Therefore, it has been classified as a Variant of Uncertain Significance. Algorithms developed to predict the effect of missense changes on protein structure and function (SIFT, PolyPhen-2, Align-GVGD) all suggest that this variant is likely to be disruptive. This variant has not been reported in the literature in individuals affected with ATP2B4-related conditions. This variant is present in population databases (rs780923088, gnomAD 0.002%). This sequence change replaces valine, which is neutral and non-polar, with isoleucine, which is neutral and non-polar, at codon 798 of the ATP2B4 protein (p.Val798Ile).